The following is an entry in ClinVar:

ClinVar aggregate classification (germline): Uncertain significance (1 of 4 stars; one submission).

Allele frequency attached by ClinVar (database versions not stated): gnomAD exomes below 0.00001 and 0.00001.
gnomAD v4.1: 9 of 1,614,098 alleles (0.00056%); highest among the groups gnomAD compares: Non-Finnish European, 0.00076%; no homozygotes.

Submission:

Labcorp Genetics (formerly Invitae), Labcorp
Classification: Uncertain significance. Last evaluated: 2022-03-13. Review status: criteria provided, single submitter. Criteria: Invitae Variant Classification Sherloc (09022015). Collection method: clinical testing. Allele origin: germline.
Comment: This sequence change replaces threonine, which is neutral and polar, with alanine, which is neutral and non-polar, at codon 2961 of the VCAN protein (p.Thr2961Ala). This variant is present in population databases (no rsID available, gnomAD 0.0009%). In summary, the available evidence is currently insufficient to determine the role of this variant in disease. Therefore, it has been classified as a Variant of Uncertain Significance. Algorithms developed to predict the effect of missense changes on protein structure and function (SIFT, PolyPhen-2, Align-GVGD) all suggest that this variant is likely to be tolerated. This variant has not been reported in the literature in individuals affected with VCAN-related conditions.

NM_004385.5(VCAN):c.8881A>G (p.Thr2961Ala)

Genes: VCAN (versican; plus strand), VCAN-AS1 (VCAN antisense RNA 1; minus strand). Cytogenetic location: 5q14.3.
Variant type: single nucleotide variant.
Coding change: c.8881A>G on transcript NM_004385.5 (MANE Select); coding-DNA position 8881, A replaced by G.
Protein change: p.Thr2961Ala; replaces threonine 2961 with alanine.
Molecular consequence: missense variant. On other transcripts: intron variant (2).
Genome position (GRCh38, 1-based): chr5:83,541,884, A>G. VCF-style: chr5-83541884-A-G. GRCh37 (hg19) VCF-style: chr5-82837703-A-G.
Other names: c.5920A>G, p.Thr1974Ala (NM_001164097.2); c.4004-3653A>G (NM_001164098.2); c.1043-3653A>G (NM_001126336.3); short protein forms T1974A, T2961A.
Identifiers: ClinVar variation 1420930 (VCV001420930.6), dbSNP rs1010441875, ClinGen allele CA121776938.
Genomic context (GRCh38, chr5:83,541,884, plus strand): 5'-TCTGGAGAAGCAATCAAGATGTTTCCCACCATTAAAACACCTGAGGCTGGAACTGTTATT[A>G]CAACTGCCGATGAAATTGAATTAGAAGGTGCTACACAGTGGCCACACTCTACTTCTGCTT-3'
Protein context (NP_004376.2, residues 2951-2971): IKTPEAGTVI[Thr2961Ala]TADEIELEGA